The following is an entry in ClinVar:

NM_001367549.1(ATP13A3):c.3402+1G>T

Gene: ATP13A3 (ATPase 13A3; minus strand). Cytogenetic location: 3q29.
Variant type: single nucleotide variant.
Coding change: c.3402+1G>T on transcript NM_001367549.1 (MANE Select); the canonical splice donor site of the intron after coding-DNA position 3402, G replaced by T.
Molecular consequence: splice donor variant.
Genome position (GRCh38, 1-based): chr3:194,419,878, C>A on the plus strand (G>T on the coding strand, the complement: ATP13A3 is on the minus strand). VCF-style: chr3-194419878-C-A. GRCh37 (hg19) VCF-style: chr3-194140607-C-A.
Other names: c.3321+1G>T (NM_001374836.1); c.3402+1G>T (NM_001437993.1, NM_024524.4).
Identifiers: ClinVar variation 4737583 (VCV004737583.1).
Genomic context (GRCh38, chr3:194,419,878, plus strand): 5'-AAAAAAGAAATGTATACAGGTTAGTCTTTTTCCCCAAACAAATGATGTGCTTAAGTCTTA[C>A]CTGAAGAACCTGGTCAACAGAGGCAACTGGATACAACATGATGAATAATATAAAAATATA-3'

ClinVar aggregate classification (germline): Pathogenic (1 of 4 stars; one submission).

gnomAD v4.1: 3 of 1,560,762 alleles (0.00019%); highest among the groups gnomAD compares: Non-Finnish European, 0.00026%; no homozygotes.

Submission:

Labcorp Genetics (formerly Invitae), Labcorp
Classification: Pathogenic. Last evaluated: 2025-12-15. Review status: criteria provided, single submitter. Criteria: Invitae Variant Classification Sherloc (09022015). Collection method: clinical testing. Allele origin: germline.
Comment: This sequence change affects a donor splice site in intron 30 of the ATP13A3 gene. It is expected to disrupt RNA splicing. Variants that disrupt the donor or acceptor splice site typically lead to a loss of protein function (PMID: 16199547), and loss-of-function variants in ATP13A3 are known to be pathogenic (PMID: 29650961, 34493544). This variant is not present in population databases (gnomAD no frequency). Disruption of this splice site has been observed in individuals with pulmonary arterial hypertension (PMID: 29650961; internal data). Algorithms developed to predict the effect of sequence changes on RNA splicing suggest that this variant may disrupt the consensus splice site. For these reasons, this variant has been classified as Pathogenic.

Literature cited by the submitters: PubMed 16199547; PubMed 29650961; PubMed 34493544.